The following is an entry in ClinVar:

ClinVar aggregate classification (germline): Uncertain significance (1 of 4 stars; one submission).

Conditions:
Brittle cornea syndrome 1 (BCS1). Also called: CORNEAL FRAGILITY, KERATOGLOBUS, BLUE SCLERAE, JOINT HYPEREXTENSIBILITY; EDS6B; FRAGILITAS OCULI WITH JOINT HYPEREXTENSIBILITY; Corneal fragility keratoglobus, blue sclerae AND joint hypermobility; DYSGENESIS MESODERMALIS CORNEAE ET SCLERAE. Identifiers: Orphanet 90354, MedGen C0268344, MONDO:0024543, OMIM 229200.

Submission:

Labcorp Genetics (formerly Invitae), Labcorp
Classification: Uncertain significance. Last evaluated: 2023-10-05. Review status: criteria provided, single submitter. Criteria: Invitae Variant Classification Sherloc (09022015). Collection method: clinical testing. Allele origin: germline.
Comment: This sequence change replaces serine, which is neutral and polar, with cysteine, which is neutral and slightly polar, at codon 2360 of the ZNF469 protein (p.Ser2360Cys). This variant is not present in population databases (gnomAD no frequency). This variant has not been reported in the literature in individuals affected with ZNF469-related conditions. Algorithms developed to predict the effect of missense changes on protein structure and function output the following: SIFT: "Not Available"; PolyPhen-2: "Benign"; Align-GVGD: "Not Available". The cysteine amino acid residue is found in multiple mammalian species, which suggests that this missense change does not adversely affect protein function. In summary, the available evidence is currently insufficient to determine the role of this variant in disease. Therefore, it has been classified as a Variant of Uncertain Significance.

NM_001367624.2(ZNF469):c.7163C>G (p.Ser2388Cys)

Gene: ZNF469 (zinc finger protein 469; plus strand). Cytogenetic location: 16q24.2.
Variant type: single nucleotide variant.
Coding change: c.7163C>G on transcript NM_001367624.2 (MANE Select); coding-DNA position 7163, C replaced by G.
Protein change: p.Ser2388Cys; replaces serine 2388 with cysteine.
Molecular consequence: missense variant.
Genome position (GRCh38, 1-based): chr16:88,434,633, C>G. VCF-style: chr16-88434633-C-G. GRCh37 (hg19) VCF-style: chr16-88501041-C-G.
Other names: short protein forms S2388C.
Identifiers: ClinVar variation 2906166 (VCV002906166.4), dbSNP rs2507595675, ClinGen allele CA397108696.
Genomic context (GRCh38, chr16:88,434,633, plus strand): 5'-GTGAGATGGGGACCAGCAGCAAGGAGCCGGAGGACCCAGGGACCCCTGAGACCGGGCGCT[C>G]TGGTGCTACCAAGATGCCCAGGGTCACCTGCCCTTCCACAGGACTGGGCTTGGGAAGAAC-3'
Protein context (NP_001354553.1, residues 2378-2398): EDPGTPETGR[Ser2388Cys]GATKMPRVTC